The following is an entry in ClinVar:

NM_001183.6(ATP6AP1):c.1060G>A (p.Ala354Thr)

Gene: ATP6AP1 (ATPase H+ transporting accessory protein 1; plus strand). Cytogenetic location: Xq28.
Variant type: single nucleotide variant.
Coding change: c.1060G>A on transcript NM_001183.6 (MANE Select); coding-DNA position 1060, G replaced by A.
Protein change: p.Ala354Thr; replaces alanine 354 with threonine.
Molecular consequence: missense variant.
Genome position (GRCh38, 1-based): chrX:154,435,362, G>A. VCF-style: chrX-154435362-G-A. GRCh37 (hg19) VCF-style: chrX-153663708-G-A.
Other names: short protein forms A354T.
Identifiers: ClinVar variation 2724613 (VCV002724613.3), dbSNP rs782737307, ClinGen allele CA10562760.

ClinVar aggregate classification (germline): Uncertain significance (1 of 4 stars; one submission).

Allele frequency attached by ClinVar (database versions not stated): gnomAD exomes below 0.00001; ExAC 0.00001.

Submission:

Labcorp Genetics (formerly Invitae), Labcorp
Classification: Uncertain significance. Last evaluated: 2022-11-07. Review status: criteria provided, single submitter. Criteria: Invitae Variant Classification Sherloc (09022015). Collection method: clinical testing. Allele origin: germline.
Comment: In summary, the available evidence is currently insufficient to determine the role of this variant in disease. Therefore, it has been classified as a Variant of Uncertain Significance. Algorithms developed to predict the effect of sequence changes on RNA splicing suggest that this variant may create or strengthen a splice site. Advanced modeling of protein sequence and biophysical properties (such as structural, functional, and spatial information, amino acid conservation, physicochemical variation, residue mobility, and thermodynamic stability) performed at Invitae indicates that this missense variant is not expected to disrupt ATP6AP1 protein function. This variant has not been reported in the literature in individuals affected with ATP6AP1-related conditions. This variant is present in population databases (rs782737307, gnomAD 0.001%). This sequence change replaces alanine, which is neutral and non-polar, with threonine, which is neutral and polar, at codon 354 of the ATP6AP1 protein (p.Ala354Thr).